The following is an entry in ClinVar:

ClinVar aggregate classification (germline): Likely benign. Review status: criteria provided, multiple submitters, no conflicts (2 of 4 stars). 2 submissions from 2 submitters: Likely benign (2). Last evaluated 2023-02-14.

Conditions:
Myopathy, centronuclear, 2 (CNM2). Also called: MYOTUBULAR MYOPATHY, AUTOSOMAL RECESSIVE. Identifiers: Orphanet 169186, MedGen CN031787, MONDO:0009709, OMIM 255200.

Submissions (2):

Labcorp Genetics (formerly Invitae), Labcorp
Classification: Likely benign for Myopathy, centronuclear, 2. Last evaluated: 2023-02-14. Review status: criteria provided, single submitter. Criteria: Invitae Variant Classification Sherloc (09022015). Collection method: clinical testing. Allele origin: germline.

GeneDx
Classification: Likely benign. Last evaluated: 2017-04-28. Review status: criteria provided, single submitter. Criteria: GeneDx Variant Classification (06012015). Collection method: clinical testing. Allele origin: germline. Affected: yes.
Comment: This variant is considered likely benign or benign based on one or more of the following criteria: it is a conservative change, it occurs at a poorly conserved position in the protein, it is predicted to be benign by multiple in silico algorithms, and/or has population frequency not consistent with disease.

NM_139343.3(BIN1):c.775-13G>T

Gene: BIN1 (bridging integrator 1; minus strand). Cytogenetic location: 2q14.3.
Variant type: single nucleotide variant.
Coding change: c.775-13G>T on transcript NM_139343.3 (MANE Select); 13 bases into the intron before coding-DNA position 775, G replaced by T.
Molecular consequence: intron variant.
Genome position (GRCh38, 1-based): chr2:127,062,210, C>A on the plus strand (G>T on the coding strand, the complement: BIN1 is on the minus strand). VCF-style: chr2-127062210-C-A. GRCh37 (hg19) VCF-style: chr2-127819786-C-A.
Other names: c.694-13G>T (NM_001320642.1); c.610-13G>T (NM_001320634.1); c.682-13G>T (NM_139351.3, NM_139350.3, NM_139349.3 and 6 more transcripts); c.775-13G>T (NM_001320633.2, NM_139345.3, NM_139344.3 and 1 more transcripts).
Identifiers: ClinVar variation 509143 (VCV000509143.5), dbSNP rs778119265, ClinGen allele CA535638117.
Genomic context (GRCh38, chr2:127,062,210, plus strand): 5'-GTGTTGCTTCTCCAGGCCGACCAGCACATCATTGAGGTTCTGGTTGAGCTGCAGGAGAGA[C>A]AGTGAGGAGGTGGGGGGCCTCCAAGGCCACCAAACGGCCCCACCTTCCCCAAACACCTCT-3'